The following is an entry in ClinVar:

ClinVar aggregate classification (germline): Uncertain significance (1 of 4 stars; one submission).

Allele frequency attached by ClinVar (database versions not stated): gnomAD exomes below 0.00001; gnomAD 0.00001.
gnomAD v4.1: 2 of 1,614,018 alleles (0.00012%); highest among the groups gnomAD compares: Non-Finnish European, 0.00017%; no homozygotes.

Submission:

CeGaT Center for Human Genetics Tuebingen
Classification: Uncertain significance. Last evaluated: 2025-02-01. Review status: criteria provided, single submitter. Criteria: CeGaT Center For Human Genetics Tuebingen Variant Classification Criteria Version 2. Collection method: clinical testing. Allele origin: germline. Affected: yes. Observed: 1 variant allele.
Comment: ITPR3: PVS1:Moderate, PM2:Supporting

NM_002224.4(ITPR3):c.3283-1G>A

Gene: ITPR3 (inositol 1,4,5-trisphosphate receptor type 3; plus strand). Cytogenetic location: 6p21.31.
Variant type: single nucleotide variant.
Coding change: c.3283-1G>A on transcript NM_002224.4 (MANE Select); the canonical splice acceptor site of the intron before coding-DNA position 3283, G replaced by A.
Molecular consequence: splice acceptor variant.
Genome position (GRCh38, 1-based): chr6:33,676,767, G>A. VCF-style: chr6-33676767-G-A. GRCh37 (hg19) VCF-style: chr6-33644544-G-A.
Identifiers: ClinVar variation 872014 (VCV000872014.41), dbSNP rs1236989828, ClinGen allele CA363701967.